The following is an entry in ClinVar:

NM_002968.3(SALL1):c.1568G>A (p.Ser523Asn)

Gene: SALL1 (spalt like transcription factor 1; minus strand). Cytogenetic location: 16q12.1.
Variant type: single nucleotide variant.
Coding change: c.1568G>A on transcript NM_002968.3 (MANE Select); coding-DNA position 1568, G replaced by A.
Protein change: p.Ser523Asn; replaces serine 523 with asparagine.
Molecular consequence: missense variant.
Genome position (GRCh38, 1-based): chr16:51,140,654, C>T on the plus strand (G>A on the coding strand, the complement: SALL1 is on the minus strand). VCF-style: chr16-51140654-C-T. GRCh37 (hg19) VCF-style: chr16-51174565-C-T.
Other names: c.1277G>A, p.Ser426Asn (NM_001127892.2); short protein forms S426N, S523N.
Identifiers: ClinVar variation 2629896 (VCV002629896.2), dbSNP rs2506491216, ClinGen allele CA395888088.

ClinVar aggregate classification (germline): Uncertain significance. Review status: criteria provided, multiple submitters, no conflicts (2 of 4 stars). 2 submissions from 2 submitters: Uncertain significance (2). Last evaluated 2025-02-06.

Conditions:
SALL1-related disorder. Also called: SALL1-related condition.
Townes syndrome (TBS). Also called: Townes-Brocks syndrome. Identifiers: Orphanet 857, MedGen C0265246, MeSH C536974, MONDO:0007142.

Submissions (2):

Labcorp Genetics (formerly Invitae), Labcorp
Classification: Uncertain significance for Townes syndrome. Last evaluated: 2025-02-06. Review status: criteria provided, single submitter. Criteria: Invitae Variant Classification Sherloc (09022015). Collection method: clinical testing. Allele origin: germline.
Comment: This sequence change replaces serine, which is neutral and polar, with asparagine, which is neutral and polar, at codon 523 of the SALL1 protein (p.Ser523Asn). This variant is not present in population databases (gnomAD no frequency). This variant has not been reported in the literature in individuals affected with SALL1-related conditions. ClinVar contains an entry for this variant (Variation ID: 2629896). Invitae Evidence Modeling of protein sequence and biophysical properties (such as structural, functional, and spatial information, amino acid conservation, physicochemical variation, residue mobility, and thermodynamic stability) indicates that this missense variant is not expected to disrupt SALL1 protein function with a negative predictive value of 80%. In summary, the available evidence is currently insufficient to determine the role of this variant in disease. Therefore, it has been classified as a Variant of Uncertain Significance.

PreventionGenetics, part of Exact Sciences
Classification: Uncertain significance for SALL1-related condition. Last evaluated: 2022-12-14. Review status: criteria provided, single submitter. Criteria: ACMG Guidelines, 2015. Collection method: clinical testing. Allele origin: germline.
Comment: The SALL1 c.1568G>A variant is predicted to result in the amino acid substitution p.Ser523Asn. To our knowledge, this variant has not been reported in the literature or in a large population database, indicating this variant is rare. At this time, the clinical significance of this variant is uncertain due to the absence of conclusive functional and genetic evidence.